The following is an entry in ClinVar:

ClinVar aggregate classification (germline): Likely benign (1 of 4 stars; one submission).

Allele frequency attached by ClinVar (database versions not stated): TOPMed below 0.00001 and 0.00001; gnomAD 0.00001.
gnomAD v4.1: 1 of 152,226 alleles (0.00066%); highest among the groups gnomAD compares: Non-Finnish European, 0.0015%; no homozygotes.

Submission:

GeneDx
Classification: Likely benign. Last evaluated: 2018-05-31. Review status: criteria provided, single submitter. Criteria: GeneDx Variant Classification (06012015). Collection method: clinical testing. Allele origin: germline. Affected: yes.
Comment: This variant is considered likely benign or benign based on one or more of the following criteria: it is a conservative change, it occurs at a poorly conserved position in the protein, it is predicted to be benign by multiple in silico algorithms, and/or has population frequency not consistent with disease.

NM_001330078.2(NRXN1):c.-921-8C>A

Gene: NRXN1 (neurexin 1; minus strand). Cytogenetic location: 2p16.3.
Variant type: single nucleotide variant.
Coding change: c.-921-8C>A on transcript NM_001330078.2 (MANE Select); 8 bases into the intron before 921 bases upstream of the start codon, C replaced by A.
Molecular consequence: intron variant.
Genome position (GRCh38, 1-based): chr2:51,029,202, G>T on the plus strand (C>A on the coding strand, the complement: NRXN1 is on the minus strand). VCF-style: chr2-51029202-G-T. GRCh37 (hg19) VCF-style: chr2-51256340-G-T.
Other names: c.-921-8C>A (NM_001330096.2, NM_001330087.2, NM_001330083.2 and 15 more transcripts).
Identifiers: ClinVar variation 669094 (VCV000669094.1), dbSNP rs746730704, ClinGen allele CA769813384.